The following is an entry in ClinVar:

NM_000465.4(BARD1):c.1012A>G (p.Thr338Ala)

Gene: BARD1 (BRCA1 associated RING domain 1; minus strand). Cytogenetic location: 2q35.
Variant type: single nucleotide variant.
Coding change: c.1012A>G on transcript NM_000465.4 (MANE Select); coding-DNA position 1012, A replaced by G.
Protein change: p.Thr338Ala; replaces threonine 338 with alanine.
Molecular consequence: missense variant. On other transcripts: non-coding transcript variant (2), intron variant (3).
Genome position (GRCh38, 1-based): chr2:214,780,862, T>C on the plus strand (A>G on the coding strand, the complement: BARD1 is on the minus strand). VCF-style: chr2-214780862-T-C. GRCh37 (hg19) VCF-style: chr2-215645586-T-C.
Other names: c.955A>G, p.Thr319Ala (NM_001282543.2); c.159-28307A>G (NM_001282548.2); c.215+16199A>G (NM_001282545.2); c.364+11435A>G (NM_001282549.2); short protein forms T338A, T319A.
Identifiers: ClinVar variation 1487218 (VCV001487218.8), dbSNP rs2106109251, ClinGen allele CA350454365.

ClinVar aggregate classification (germline): Uncertain significance. Review status: criteria provided, multiple submitters, no conflicts (2 of 4 stars). 3 submissions from 3 submitters: Uncertain significance (3). Last evaluated 2026-08-22.

Conditions:
Hereditary cancer-predisposing syndrome. Also called: Hereditary Cancer Syndrome; Tumor predisposition; Neoplastic Syndromes, Hereditary; Hereditary neoplastic syndrome. Identifiers: Orphanet 140162, MedGen C0027672, MeSH D009386, MONDO:0015356.
Familial cancer of breast. Also called: Hereditary breast cancer; BREAST CANCER, FAMILIAL; hereditary breast carcinoma. Identifiers: Orphanet 227535, MedGen C0346153, MONDO:0016419, OMIM 114480. Disease mechanism: loss of function.

Allele frequency attached by ClinVar (database versions not stated): gnomAD exomes below 0.00001.
gnomAD v4.1: 1 of 1,614,154 alleles (0.000062%); highest among the groups gnomAD compares: Non-Finnish European, 0.000085%; no homozygotes.

Submissions (3):

Ambry Genetics
Classification: Uncertain significance for Hereditary cancer-predisposing syndrome. Last evaluated: 2026-08-22. Review status: criteria provided, single submitter. Criteria: Ambry Variant Classification Scheme 2023. Collection method: clinical testing. Allele origin: germline.
Comment: The p.T338A variant (also known as c.1012A>G), located in coding exon 4 of the BARD1 gene, results from an A to G substitution at nucleotide position 1012. The threonine at codon 338 is replaced by alanine, an amino acid with similar properties. This amino acid position is conserved. In addition, this alteration is predicted to be tolerated by in silico analysis. Based on the available evidence, the clinical significance of this variant remains unclear.

Labcorp Genetics (formerly Invitae), Labcorp
Classification: Uncertain significance for Familial cancer of breast. Last evaluated: 2025-04-14. Review status: criteria provided, single submitter. Criteria: Invitae Variant Classification Sherloc (09022015). Collection method: clinical testing. Allele origin: germline.
Comment: This sequence change replaces threonine, which is neutral and polar, with alanine, which is neutral and non-polar, at codon 338 of the BARD1 protein (p.Thr338Ala). This variant is not present in population databases (gnomAD no frequency). This variant has not been reported in the literature in individuals affected with BARD1-related conditions. ClinVar contains an entry for this variant (Variation ID: 1487218). An algorithm developed to predict the effect of missense changes on protein structure and function (PolyPhen-2) suggests that this variant is likely to be tolerated. In summary, the available evidence is currently insufficient to determine the role of this variant in disease. Therefore, it has been classified as a Variant of Uncertain Significance.

Sema4
Classification: Uncertain significance for Hereditary cancer-predisposing syndrome. Last evaluated: 2021-08-17. Review status: criteria provided, single submitter. Criteria: Sema4 Curation Guidelines. Collection method: curation. Allele origin: germline.
Comment: The BARD1 c.1012A>G (p.T338A) variant has been reported in heterozygosity in at least one individual with breast cancer (PMID: 33471991). It was not observed in the large and broad cohorts of the Genome Aggregation Database. The variant has not been reported in ClinVar. In silico tools suggest the impact of the variant on protein function is benign, though these predictions have not been confirmed by functional studies. The evidence is insufficient to meet ACMG/AMP criteria for classifying the variant as benign or pathogenic. Thus, the clinical significance of this variant is currently uncertain.

Literature cited by the submitters: PubMed 33471991 (cited by Sema4).